The following is an entry in ClinVar:

NM_032608.7(MYO18B):c.2401G>A (p.Ala801Thr)

Gene: MYO18B (myosin XVIIIB; plus strand). Cytogenetic location: 22q12.1.
Variant type: single nucleotide variant.
Coding change: c.2401G>A on transcript NM_032608.7 (MANE Select); coding-DNA position 2401, G replaced by A.
Protein change: p.Ala801Thr; replaces alanine 801 with threonine.
Molecular consequence: missense variant.
Genome position (GRCh38, 1-based): chr22:25,797,977, G>A. VCF-style: chr22-25797977-G-A. GRCh37 (hg19) VCF-style: chr22-26193944-G-A.
Other names: c.2401G>A, p.Ala801Thr (NM_001318245.2); short protein forms A801T.
Identifiers: ClinVar variation 1963701 (VCV001963701.5), dbSNP rs1339235313, ClinGen allele CA410996247.
Genomic context (GRCh38, chr22:25,797,977, plus strand): 5'-TGGCCTTGTTTTCTTCCTCTCTCCCTTTGCCCGCAGCCTGAAGATAAACAGAAGGCGGCA[G>A]CTGCCTTTGCCCAGCTCCAGGGTGCCATGGAGATGCTCGGCATCTCAGAGAGCGAGCAGC-3'
Protein context (NP_115997.5, residues 791-811): SKPEDKQKAA[Ala801Thr]AFAQLQGAME

ClinVar aggregate classification (germline): Uncertain significance (1 of 4 stars; one submission).

Allele frequency attached by ClinVar (database versions not stated): gnomAD exomes below 0.00001; TOPMed below 0.00001.
gnomAD v4.1: 3 of 1,614,054 alleles (0.00019%); highest among the groups gnomAD compares: Admixed American, 0.0017%; no homozygotes.

Submission:

Labcorp Genetics (formerly Invitae), Labcorp
Classification: Uncertain significance. Last evaluated: 2022-08-16. Review status: criteria provided, single submitter. Criteria: Invitae Variant Classification Sherloc (09022015). Collection method: clinical testing. Allele origin: germline.
Comment: This variant is present in population databases (no rsID available, gnomAD 0.003%). This sequence change replaces alanine, which is neutral and non-polar, with threonine, which is neutral and polar, at codon 801 of the MYO18B protein (p.Ala801Thr). This variant has not been reported in the literature in individuals affected with MYO18B-related conditions. Algorithms developed to predict the effect of missense changes on protein structure and function output the following: SIFT: "Not Available"; PolyPhen-2: "Benign"; Align-GVGD: "Not Available". The threonine amino acid residue is found in multiple mammalian species, which suggests that this missense change does not adversely affect protein function. In summary, the available evidence is currently insufficient to determine the role of this variant in disease. Therefore, it has been classified as a Variant of Uncertain Significance.